The following is an entry in ClinVar:

ClinVar aggregate classification (germline): Uncertain significance (0 of 4 stars; one submission).

Conditions:
DOCK7-related disorder. Also called: DOCK7-related condition.

Submission:

PreventionGenetics, part of Exact Sciences
Classification: Uncertain significance for DOCK7-related condition. Last evaluated: 2024-04-12. Review status: no assertion criteria provided. Collection method: clinical testing. Allele origin: germline.
Comment: The DOCK7 c.1691T>C variant is predicted to result in the amino acid substitution p.Leu564Pro. To our knowledge, this variant has not been reported in the literature or in a large population database, indicating this variant is rare. At this time, the clinical significance of this variant is uncertain due to the absence of conclusive functional and genetic evidence.

NM_001367561.1(DOCK7):c.1691T>C (p.Leu564Pro)

Gene: DOCK7 (dedicator of cytokinesis 7; minus strand). Cytogenetic location: 1p31.3.
Variant type: single nucleotide variant.
Coding change: c.1691T>C on transcript NM_001367561.1 (MANE Select); coding-DNA position 1691, T replaced by C.
Protein change: p.Leu564Pro; replaces leucine 564 with proline.
Molecular consequence: missense variant.
Genome position (GRCh38, 1-based): chr1:62,586,616, A>G on the plus strand (T>C on the coding strand, the complement: DOCK7 is on the minus strand). VCF-style: chr1-62586616-A-G. GRCh37 (hg19) VCF-style: chr1-63052287-A-G.
Other names: c.1691T>C, p.Leu564Pro (NM_001271999.2, NM_001272000.2, NM_001272001.2 and 3 more transcripts); short protein forms L564P.
Identifiers: ClinVar variation 3349741 (VCV003349741.1).
Genomic context (GRCh38, chr1:62,586,616, plus strand): 5'-GTTATATTTCTAGCAGAACCTTGACGATTGGCAAAATTAAGACTCTGAGGGTATATGTAG[A>G]GAAGATTTCTGTGAAAGCAACAGTATAGATGATAGTAAATACATATCTAAGAAACACTAT-3'
Protein context (NP_001354490.1, residues 554-574): YVPNTTYRNL[Leu564Pro]YIYPQSLNFA